The following is an entry in ClinVar:

NM_002067.5(GNA11):c.911C>T (p.Ala304Val)

Gene: GNA11 (G protein subunit alpha 11; plus strand). Cytogenetic location: 19p13.3.
Variant type: single nucleotide variant.
Coding change: c.911C>T on transcript NM_002067.5 (MANE Select); coding-DNA position 911, C replaced by T.
Protein change: p.Ala304Val; replaces alanine 304 with valine.
Molecular consequence: missense variant.
Genome position (GRCh38, 1-based): chr19:3,121,010, C>T. VCF-style: chr19-3121010-C-T. GRCh37 (hg19) VCF-style: chr19-3121008-C-T.
Other names: short protein forms A304V.
Identifiers: ClinVar variation 2172821 (VCV002172821.5), dbSNP rs762218250, ClinGen allele CA9075103.

ClinVar aggregate classification (germline): Uncertain significance. Review status: criteria provided, multiple submitters, no conflicts (2 of 4 stars). 2 submissions from 2 submitters: Uncertain significance (2). Last evaluated 2025-10-18.

Conditions:
Schwartz-Jampel syndrome type 1 (SJS1). Also called: MYOTONIC MYOPATHY, DWARFISM, CHONDRODYSTROPHY, AND OCULAR AND FACIAL ABNORMALITIES; CHONDRODYSTROPHIC MYOTONIA. Identifiers: MedGen C4551479, MONDO:0100435, OMIM 255800.

Allele frequency attached by ClinVar (database versions not stated): ExAC 0.00001; TOPMed 0.00002.
gnomAD v4.1: 15 of 1,612,860 alleles (0.00093%); highest among the groups gnomAD compares: Middle Eastern, 0.033%; no homozygotes.

Submissions (2):

Labcorp Genetics (formerly Invitae), Labcorp
Classification: Uncertain significance. Last evaluated: 2025-10-18. Review status: criteria provided, single submitter. Criteria: Invitae Variant Classification Sherloc (09022015). Collection method: clinical testing. Allele origin: germline.
Comment: This sequence change replaces alanine, which is neutral and non-polar, with valine, which is neutral and non-polar, at codon 304 of the GNA11 protein (p.Ala304Val). This variant is present in population databases (rs762218250, gnomAD 0.006%). This variant has not been reported in the literature in individuals affected with GNA11-related conditions. ClinVar contains an entry for this variant (Variation ID: 2172821). Invitae Evidence Modeling of protein sequence and biophysical properties (such as structural, functional, and spatial information, amino acid conservation, physicochemical variation, residue mobility, and thermodynamic stability) indicates that this missense variant is not expected to disrupt GNA11 protein function with a negative predictive value of 80%. In summary, the available evidence is currently insufficient to determine the role of this variant in disease. Therefore, it has been classified as a Variant of Uncertain Significance.

Genomic Medicine Center of Excellence, King Faisal Specialist Hospital and Research Centre
Classification: Uncertain significance for Schwartz-Jampel syndrome type 1. Last evaluated: 2024-12-17. Review status: criteria provided, single submitter. Criteria: ACMG Guidelines, 2015. Collection method: clinical testing. Allele origin: germline.